The following is an entry in ClinVar:

NM_001122630.2(CDKN1C):c.100G>T (p.Glu34Ter)

Gene: CDKN1C (cyclin dependent kinase inhibitor 1C; minus strand). Cytogenetic location: 11p15.4.
Variant type: single nucleotide variant.
Coding change: c.100G>T on transcript NM_001122630.2 (MANE Select); coding-DNA position 100, G replaced by T.
Protein change: p.Glu34Ter; replaces glutamic acid 34 with a stop codon.
Molecular consequence: nonsense.
Genome position (GRCh38, 1-based): chr11:2,885,357, C>A on the plus strand (G>T on the coding strand, the complement: CDKN1C is on the minus strand). VCF-style: chr11-2885357-C-A. GRCh37 (hg19) VCF-style: chr11-2906587-C-A.
Other names: c.133G>T, p.Glu45Ter (NM_000076.2, NM_001362474.2); c.100G>T, p.Glu34Ter (NM_001122631.2, NM_001362475.2); short protein forms E34*, E45*.
Identifiers: ClinVar variation 2031792 (VCV002031792.4), dbSNP rs1848977184, ClinGen allele CA379147654.

ClinVar aggregate classification (germline): Pathogenic (1 of 4 stars; one submission).

Conditions:
Beckwith-Wiedemann syndrome (BWS). Also called: Exomphalos macroglossia gigantism syndrome; EMG SYNDROME. Identifiers: Orphanet 116, MedGen C0004903, MONDO:0007534, OMIM 130650.

Submission:

Labcorp Genetics (formerly Invitae), Labcorp
Classification: Pathogenic for Beckwith-Wiedemann syndrome. Last evaluated: 2024-05-06. Review status: criteria provided, single submitter. Criteria: Invitae Variant Classification Sherloc (09022015). Collection method: clinical testing. Allele origin: germline.
Comment: This sequence change creates a premature translational stop signal (p.Glu45*) in the CDKN1C gene. It is expected to result in an absent or disrupted protein product. Loss-of-function variants in CDKN1C are known to be pathogenic (PMID: 20503313). This variant is not present in population databases (gnomAD no frequency). This variant has not been reported in the literature in individuals affected with CDKN1C-related conditions. ClinVar contains an entry for this variant (Variation ID: 2031792). For these reasons, this variant has been classified as Pathogenic.

Literature cited by the submitters: PubMed 20503313.